The following is an entry in ClinVar:

NM_000092.5(COL4A4):c.3973+1G>A

Gene: COL4A4 (collagen type IV alpha 4 chain; minus strand). Cytogenetic location: 2q36.3.
Variant type: single nucleotide variant.
Coding change: c.3973+1G>A on transcript NM_000092.5 (MANE Select); the canonical splice donor site of the intron after coding-DNA position 3973, G replaced by A.
Molecular consequence: splice donor variant.
Genome position (GRCh38, 1-based): chr2:227,030,442, C>T on the plus strand (G>A on the coding strand, the complement: COL4A4 is on the minus strand). VCF-style: chr2-227030442-C-T. GRCh37 (hg19) VCF-style: chr2-227895158-C-T.
Identifiers: ClinVar variation 3624140 (VCV003624140.2).

ClinVar aggregate classification (germline): Likely pathogenic (1 of 4 stars; one submission).

gnomAD v4.1: 2 of 1,614,078 alleles (0.00012%); highest among the groups gnomAD compares: Non-Finnish European, 0.00017%; no homozygotes.

Submission:

Labcorp Genetics (formerly Invitae), Labcorp
Classification: Likely pathogenic. Last evaluated: 2024-11-25. Review status: criteria provided, single submitter. Criteria: Invitae Variant Classification Sherloc (09022015). Collection method: clinical testing. Allele origin: germline.
Comment: This sequence change affects a donor splice site in intron 41 of the COL4A4 gene. It is expected to disrupt RNA splicing. Variants that disrupt the donor or acceptor splice site typically lead to a loss of protein function (PMID: 16199547), and loss-of-function variants in COL4A4 are known to be pathogenic (PMID: 21196518, 24854265, 25307543). This variant is present in population databases (rs755478262, gnomAD 0.0009%). This variant has not been reported in the literature in individuals affected with COL4A4-related conditions. Algorithms developed to predict the effect of sequence changes on RNA splicing suggest that this variant may disrupt the consensus splice site. In summary, the currently available evidence indicates that the variant is pathogenic, but additional data are needed to prove that conclusively. Therefore, this variant has been classified as Likely Pathogenic.

Literature cited by the submitters: PubMed 16199547; PubMed 21196518; PubMed 24854265; PubMed 25307543.